The following is an entry in ClinVar:

ClinVar aggregate classification (somatic clinical impact): Tier II - Potential (0 of 4 stars; one submission).

Conditions:
T-Cell Chronic Lymphocytic Leukemia. Identifiers: MedGen C0023494.

gnomAD v4.1: 2 of 1,614,104 alleles (0.00012%); highest among the groups gnomAD compares: Non-Finnish European, 0.00017%; no homozygotes.

Submission:

Immunodeficiency Laboratory, University Center for Immunology, University Hospital Basel
Classification: Tier II - Potential for T-Cell Chronic Lymphocytic Leukemia. Assertion type: diagnostic. Clinical significance: supports diagnosis. Last evaluated: 2026-05-15. Review status: no assertion criteria provided. Collection method: research. Allele origin: somatic. Affected: yes. Observed: 1 variant allele, 1 heterozygote.
Comment: Information in the literature supports gain of function biologic effect of variant (PMIDs:23596048, 40228864).

Literature cited by the submitters: PubMed 23596048; PubMed 40228864.

NM_012448.4(STAT5B):c.1994A>T (p.Tyr665Phe)

Gene: STAT5B (signal transducer and activator of transcription 5B; minus strand). Cytogenetic location: 17q21.2.
Variant type: single nucleotide variant.
Coding change: c.1994A>T on transcript NM_012448.4 (MANE Select); coding-DNA position 1994, A replaced by T.
Protein change: p.Tyr665Phe; replaces tyrosine 665 with phenylalanine.
Molecular consequence: missense variant.
Genome position (GRCh38, 1-based): chr17:42,207,641, T>A on the plus strand (A>T on the coding strand, the complement: STAT5B is on the minus strand). VCF-style: chr17-42207641-T-A. GRCh37 (hg19) VCF-style: chr17-40359659-T-A.
Other names: short protein forms Y665F.
Identifiers: ClinVar variation 4850903 (VCV004850903.1).